The following is an entry in ClinVar:

NM_005523.6(HOXA11):c.289_297del (p.Pro97_Ala99del)

Genes: HOXA11 (homeobox A11; minus strand), LOC107126281 (NUP98-HOXA11 recombination region; plus strand). Cytogenetic location: 7p15.2.
Variant type: Deletion.
Coding change: c.289_297del on transcript NM_005523.6 (MANE Select); coding-DNA positions 289 to 297, 9 bases deleted (CCCAGCGCG; older notation c.289_297delCCCAGCGCG).
Protein change: p.Pro97_Ala99del.
Molecular consequence: inframe indel (on NM_005523.5).
Genome position (GRCh38, 1-based): chr7:27,184,848-27,184,856, CGCGCTGGG deleted on the plus strand (CCCAGCGCG on the coding strand, the reverse complement: HOXA11 is on the minus strand); deleting any 9 consecutive bases within chr7:27,184,848-27,184,859 gives the same sequence; the c. name uses the placement nearest the transcript's 3' end. VCF-style (leftmost placement, unchanged base first): chr7-27184847-CCGCGCTGGG-C. GRCh37 (hg19) VCF-style: chr7-27224466-CCGCGCTGGG-C.
Other names: c.286_294delGCGCCCAGC, p.Pro97_Ala99del (NM_005523.5); c.289_297del9 (NM_005523.5); c.289_297del (NM_005523.5).
Identifiers: ClinVar variation 3041106 (VCV003041106.4), dbSNP rs577175554, ClinGen allele CA4198454.

ClinVar aggregate classification (germline): Likely benign. Review status: criteria provided, multiple submitters, no conflicts (2 of 4 stars). 3 submissions from 3 submitters: Likely benign (2). 1 of the submissions does not count toward it. Last evaluated 2024-06-28.

Conditions:
HOXA11-related disorder. Also called: HOXA11-related condition.

Submissions (3):

Blueprint Genetics
Classification: Likely benign. Last evaluated: 2024-06-28. Review status: criteria provided, single submitter. Criteria: ACMG Guidelines, 2015. Collection method: clinical testing. Allele origin: germline.

GeneDx
Classification: Likely benign. Last evaluated: 2018-10-15. Review status: criteria provided, single submitter. Criteria: GeneDx Variant Classification Process June 2021. Collection method: clinical testing. Allele origin: germline.
Comment: See Variant Classification Assertion Criteria.

PreventionGenetics, part of Exact Sciences
Classification: Benign for HOXA11-related condition. Last evaluated: 2019-09-10. Review status: no assertion criteria provided. Collection method: clinical testing. Allele origin: germline. Not counted in ClinVar's aggregate classification.
Comment: This variant is classified as benign based on ACMG/AMP sequence variant interpretation guidelines (Richards et al. 2015 PMID: 25741868, with internal and published modifications).